The following is an entry in ClinVar:

NM_018263.6(ASXL2):c.4032T>C (p.Ala1344=)

Gene: ASXL2 (ASXL transcriptional regulator 2; minus strand). Cytogenetic location: 2p23.3.
Variant type: single nucleotide variant.
Coding change: c.4032T>C on transcript NM_018263.6 (MANE Select); coding-DNA position 4032, T replaced by C.
Protein change: p.Ala1344=; no amino-acid change (alanine 1344 retained).
Molecular consequence: synonymous variant.
Genome position (GRCh38, 1-based): chr2:25,742,305, A>G on the plus strand (T>C on the coding strand, the complement: ASXL2 is on the minus strand). VCF-style: chr2-25742305-A-G. GRCh37 (hg19) VCF-style: chr2-25965174-A-G.
Other names: c.3858T>C, p.Ala1286= (NM_001369346.1); c.3252T>C, p.Ala1084= (NM_001369347.1).
Identifiers: ClinVar variation 3353350 (VCV003353350.1).

ClinVar aggregate classification (germline): Likely benign (0 of 4 stars; one submission).

Conditions:
ASXL2-related disorder. Also called: ASXL2-related condition.

gnomAD v4.1: 3 of 1,613,904 alleles (0.00019%); highest among the groups gnomAD compares: Non-Finnish European, 0.00025%; no homozygotes.

Submission:

PreventionGenetics, part of Exact Sciences
Classification: Likely benign for ASXL2-related condition. Last evaluated: 2024-05-21. Review status: no assertion criteria provided. Collection method: clinical testing. Allele origin: germline.
Comment: This variant is classified as likely benign based on ACMG/AMP sequence variant interpretation guidelines (Richards et al. 2015 PMID: 25741868, with internal and published modifications).